The following is an entry in ClinVar:

NM_152866.3(MS4A1):c.328A>G (p.Lys110Glu)

Gene: MS4A1 (membrane spanning 4-domains A1; plus strand). Cytogenetic location: 11q12.2.
Variant type: single nucleotide variant.
Coding change: c.328A>G on transcript NM_152866.3 (MANE Select); coding-DNA position 328, A replaced by G.
Protein change: p.Lys110Glu; replaces lysine 110 with glutamic acid.
Molecular consequence: missense variant.
Genome position (GRCh38, 1-based): chr11:60,464,336, A>G. VCF-style: chr11-60464336-A-G. GRCh37 (hg19) VCF-style: chr11-60231809-A-G.
Other names: c.328A>G (NM_152866.2); c.328A>G, p.Lys110Glu (NM_021950.4, NM_152867.2); short protein forms K110E.
Identifiers: ClinVar variation 1035246 (VCV001035246.8), dbSNP rs201361363, ClinGen allele CA6024949.
Genomic context (GRCh38, chr11:60,464,336, plus strand): 5'-TCTTTTTTACAGTATATTATTTCCGGATCACTCCTGGCAGCAACGGAGAAAAACTCCAGG[A>G]AGTGTTTGGCAAGTAACCATATGTCCTTCTTTCCCACATGTCAGAGAAGTACCTATTTTT-3'
Protein context (NP_690605.1, residues 100-120): LLAATEKNSR[Lys110Glu]CLVKGKMIMN

ClinVar aggregate classification (germline): Uncertain significance. Review status: criteria provided, multiple submitters, no conflicts (2 of 4 stars). 2 submissions from 2 submitters: Uncertain significance (2). Last evaluated 2026-02-01.

Allele frequency attached by ClinVar (database versions not stated): TOPMed 0.00011; gnomAD 0.00014 and 0.00016; gnomAD exomes 0.00014 and 0.00017; ESP Exome Variant Server 0.00015; 1000 Genomes Project 30x 0.00016; ExAC 0.00017.
gnomAD v4.1: 267 of 1,612,974 alleles (0.017%); highest among the groups gnomAD compares: Non-Finnish European, 0.02%; no homozygotes.

Submissions (2):

Labcorp Genetics (formerly Invitae), Labcorp
Classification: Uncertain significance. Last evaluated: 2026-02-01. Review status: criteria provided, single submitter. Criteria: Invitae Variant Classification Sherloc (09022015). Collection method: clinical testing. Allele origin: germline.
Comment: This sequence change replaces lysine, which is basic and polar, with glutamic acid, which is acidic and polar, at codon 110 of the MS4A1 protein (p.Lys110Glu). This variant is present in population databases (rs201361363, gnomAD 0.03%). This variant has not been reported in the literature in individuals affected with MS4A1-related conditions. ClinVar contains an entry for this variant (Variation ID: 1035246). An algorithm developed to predict the effect of missense changes on protein structure and function outputs the following: PolyPhen-2: "Benign". The glutamic acid amino acid residue is found in multiple mammalian species, which suggests that this missense change does not adversely affect protein function. In summary, the available evidence is currently insufficient to determine the role of this variant in disease. Therefore, it has been classified as a Variant of Uncertain Significance.

Ambry Genetics
Classification: Uncertain significance. Last evaluated: 2021-09-17. Review status: criteria provided, single submitter. Criteria: Ambry Variant Classification Scheme 2023. Collection method: clinical testing. Allele origin: germline.